The following is an entry in ClinVar:

ClinVar aggregate classification (germline): Uncertain significance (1 of 4 stars; one submission).

gnomAD v4.1: 2 of 1,614,046 alleles (0.00012%); highest among the groups gnomAD compares: Admixed American, 0.0017%; no homozygotes.

Submission:

Labcorp Genetics (formerly Invitae), Labcorp
Classification: Uncertain significance. Last evaluated: 2025-11-03. Review status: criteria provided, single submitter. Criteria: Invitae Variant Classification Sherloc (09022015). Collection method: clinical testing. Allele origin: germline.
Comment: This sequence change replaces proline, which is neutral and non-polar, with leucine, which is neutral and non-polar, at codon 3776 of the FAT4 protein (p.Pro3776Leu). This variant is not present in population databases (gnomAD no frequency). This variant has not been reported in the literature in individuals affected with FAT4-related conditions. Invitae Evidence Modeling of protein sequence and biophysical properties (such as structural, functional, and spatial information, amino acid conservation, physicochemical variation, residue mobility, and thermodynamic stability) indicates that this missense variant is not expected to disrupt FAT4 protein function with a negative predictive value of 95%. In summary, the available evidence is currently insufficient to determine the role of this variant in disease. Therefore, it has been classified as a Variant of Uncertain Significance.

NM_001291303.3(FAT4):c.11333C>T (p.Pro3778Leu)

Gene: FAT4 (FAT atypical cadherin 4; plus strand). Cytogenetic location: 4q28.1.
Variant type: single nucleotide variant.
Coding change: c.11333C>T on transcript NM_001291303.3 (MANE Select); coding-DNA position 11333, C replaced by T.
Protein change: p.Pro3778Leu; replaces proline 3778 with leucine.
Molecular consequence: missense variant.
Genome position (GRCh38, 1-based): chr4:125,452,343, C>T. VCF-style: chr4-125452343-C-T. GRCh37 (hg19) VCF-style: chr4-126373498-C-T.
Other names: c.11333C>T, p.Pro3778Leu (NM_001291285.3, NM_001438396.1, NM_001438397.1); c.6104C>T, p.Pro2035Leu (NM_001437895.1); c.11327C>T, p.Pro3776Leu (NM_024582.6); short protein forms P2035L, P3776L, P3778L.
Identifiers: ClinVar variation 4797327 (VCV004797327.1).
Genomic context (GRCh38, chr4:125,452,343, plus strand): 5'-AGAACAATAGAACGTTTCTTTTGGCAGCTGTGAAGCGAAATCATAATCAGTATGTGAATC[C>T]CAGTGGCGTAGCCACCTTCTTTGAAAGCATCAAAGAGATCCTTCTCCGGCAGAGTGGAGT-3'
Protein context (NP_001278232.1, residues 3768-3788): VKRNHNQYVN[Pro3778Leu]SGVATFFESI